The following is an entry in ClinVar:

NM_001375808.2(LPIN2):c.1664C>G (p.Ser555Cys)

Gene: LPIN2 (lipin 2; minus strand). Cytogenetic location: 18p11.31.
Variant type: single nucleotide variant.
Coding change: c.1664C>G on transcript NM_001375808.2 (MANE Select); coding-DNA position 1664, C replaced by G.
Protein change: p.Ser555Cys; replaces serine 555 with cysteine.
Molecular consequence: missense variant.
Genome position (GRCh38, 1-based): chr18:2,927,768, G>C on the plus strand (C>G on the coding strand, the complement: LPIN2 is on the minus strand). VCF-style: chr18-2927768-G-C. GRCh37 (hg19) VCF-style: chr18-2927766-G-C.
Other names: c.1664C>G, p.Ser555Cys (NM_001375809.1, NM_014646.2); short protein forms S555C.
Identifiers: ClinVar variation 1417987 (VCV001417987.5), dbSNP rs773514460, ClinGen allele CA8873011.

ClinVar aggregate classification (germline): Uncertain significance (1 of 4 stars; one submission).

Conditions:
Majeed syndrome (MJDS). Also called: CHRONIC RECURRENT MULTIFOCAL OSTEOMYELITIS 1, WITH CONGENITAL DYSERYTHROPOIETIC ANEMIA, WITH OR WITHOUT NEUTROPHILIC DERMATOSIS; LPIN2-Related Majeed Syndrome. Identifiers: Orphanet 77297, MedGen C1864997, MONDO:0012316, OMIM 609628.

Allele frequency attached by ClinVar (database versions not stated): ExAC 0.00001; gnomAD 0.00001; gnomAD exomes 0.00001 and 0.00003; TOPMed 0.00001.
gnomAD v4.1: 13 of 1,614,088 alleles (0.00081%); highest among the groups gnomAD compares: East Asian, 0.029%; no homozygotes.

Submission:

Labcorp Genetics (formerly Invitae), Labcorp
Classification: Uncertain significance for Majeed syndrome. Last evaluated: 2021-08-24. Review status: criteria provided, single submitter. Criteria: Invitae Variant Classification Sherloc (09022015). Collection method: clinical testing. Allele origin: germline.
Comment: This sequence change replaces serine with cysteine at codon 555 of the LPIN2 protein (p.Ser555Cys). The serine residue is moderately conserved and there is a moderate physicochemical difference between serine and cysteine. This variant is present in population databases (rs773514460, ExAC 0.01%). This variant has not been reported in the literature in individuals affected with LPIN2-related conditions. Algorithms developed to predict the effect of missense changes on protein structure and function are either unavailable or do not agree on the potential impact of this missense change (SIFT: "Tolerated"; PolyPhen-2: "Probably Damaging"; Align-GVGD: "Class C0"). In summary, the available evidence is currently insufficient to determine the role of this variant in disease. Therefore, it has been classified as a Variant of Uncertain Significance.